The following is an entry in ClinVar:

ClinVar aggregate classification (germline): Conflicting classifications of pathogenicity. Review status: criteria provided, conflicting classifications (1 of 4 stars). 4 submissions from 4 submitters: Uncertain significance (1); Benign (3). Last evaluated 2026-05-05.

Conditions:
Renal hypomagnesemia 6. Identifiers: Orphanet 34527, MedGen C3151295, MONDO:0013480, OMIM 613882.

Allele frequency attached by ClinVar (database versions not stated): gnomAD exomes 0.00023 and 0.00006; ExAC 0.00026; gnomAD 0.00003 and 0.00004; ESP Exome Variant Server 0.00008; TOPMed 0.00011.
gnomAD v4.1: 102 of 1,613,784 alleles (0.0063%); highest among the groups gnomAD compares: Admixed American, 0.083%; no homozygotes.

Submissions (4):

Revvity Omics, Revvity
Classification: Benign. Last evaluated: 2026-05-05. Review status: criteria provided, single submitter. Criteria: ACMG Guidelines, 2015. Collection method: clinical testing. Allele origin: germline.

Labcorp Genetics (formerly Invitae), Labcorp
Classification: Benign. Last evaluated: 2025-06-24. Review status: criteria provided, single submitter. Criteria: Invitae Variant Classification Sherloc (09022015). Collection method: clinical testing. Allele origin: germline.

GeneDx
Classification: Uncertain significance. Last evaluated: 2024-02-09. Review status: criteria provided, single submitter. Criteria: GeneDx Variant Classification Process June 2021. Collection method: clinical testing. Allele origin: germline. Affected: yes.
Comment: In silico analysis supports that this variant does not alter splicing; Has not been previously published as pathogenic or benign to our knowledge

Illumina Laboratory Services, Illumina
Classification: Benign for Renal hypomagnesemia 6. Last evaluated: 2018-01-13. Review status: criteria provided, single submitter. Criteria: ICSL Variant Classification Criteria 13 December 2019. Collection method: clinical testing. Allele origin: germline.
Comment: This variant was observed in the ICSL laboratory as part of a predisposition screen in an ostensibly healthy population. It had not been previously curated by ICSL or reported in the Human Gene Mutation Database (HGMD: prior to June 1st, 2018), and was therefore a candidate for classification through an automated scoring system. Utilizing variant allele frequency, disease prevalence and penetrance estimates, and inheritance mode, an automated score was calculated to assess if this variant is too frequent to cause the disease. Based on the score and internal cut-off values, a variant classified as benign is not then subjected to further curation. The score for this variant resulted in a classification of benign for this disease.

NM_017649.5(CNNM2):c.801C>T (p.Cys267=)

Gene: CNNM2 (cyclin and CBS domain divalent metal cation transport mediator 2; plus strand). Cytogenetic location: 10q24.32.
Variant type: single nucleotide variant.
Coding change: c.801C>T on transcript NM_017649.5 (MANE Select); coding-DNA position 801, C replaced by T.
Protein change: p.Cys267=; no amino-acid change (cysteine 267 retained).
Molecular consequence: synonymous variant.
Genome position (GRCh38, 1-based): chr10:102,919,281, C>T. VCF-style: chr10-102919281-C-T. GRCh37 (hg19) VCF-style: chr10-104679038-C-T.
Other names: c.801C>T, p.Cys267= (NM_199076.3, NM_199077.3).
Identifiers: ClinVar variation 298640 (VCV000298640.15), dbSNP rs367789750, ClinGen allele CA5670314.